The following is an entry in ClinVar:

ClinVar aggregate classification (germline): Uncertain significance. Review status: criteria provided, multiple submitters, no conflicts (2 of 4 stars). 2 submissions from 2 submitters: Uncertain significance (2). Last evaluated 2025-07-10.

Conditions:
Inborn genetic diseases. Identifiers: MedGen C0950123, MeSH D030342.

Allele frequency attached by ClinVar (database versions not stated): gnomAD 0.00001; gnomAD exomes below 0.00001; TOPMed 0.00001.
gnomAD v4.1: 7 of 1,613,916 alleles (0.00043%); highest among the groups gnomAD compares: Non-Finnish European, 0.00059%; no homozygotes.

Submissions (2):

Labcorp Genetics (formerly Invitae), Labcorp
Classification: Uncertain significance. Last evaluated: 2025-07-10. Review status: criteria provided, single submitter. Criteria: Invitae Variant Classification Sherloc (09022015). Collection method: clinical testing. Allele origin: germline.
Comment: This sequence change replaces glutamine, which is neutral and polar, with arginine, which is basic and polar, at codon 379 of the KRT6B protein (p.Gln379Arg). This variant is not present in population databases (gnomAD no frequency). This variant has not been reported in the literature in individuals affected with KRT6B-related conditions. ClinVar contains an entry for this variant (Variation ID: 3116569). Invitae Evidence Modeling of protein sequence and biophysical properties (such as structural, functional, and spatial information, amino acid conservation, physicochemical variation, residue mobility, and thermodynamic stability) indicates that this missense variant is not expected to disrupt KRT6B protein function with a negative predictive value of 80%. In summary, the available evidence is currently insufficient to determine the role of this variant in disease. Therefore, it has been classified as a Variant of Uncertain Significance.

Ambry Genetics
Classification: Uncertain significance for Inborn genetic diseases. Last evaluated: 2022-11-21. Review status: criteria provided, single submitter. Criteria: Ambry Variant Classification Scheme 2023. Collection method: clinical testing. Allele origin: germline.

NM_005555.4(KRT6B):c.1136A>G (p.Gln379Arg)

Gene: KRT6B (keratin 6B; minus strand). Cytogenetic location: 12q13.13.
Variant type: single nucleotide variant.
Coding change: c.1136A>G on transcript NM_005555.4 (MANE Select); coding-DNA position 1136, A replaced by G.
Protein change: p.Gln379Arg; replaces glutamine 379 with arginine.
Molecular consequence: missense variant.
Genome position (GRCh38, 1-based): chr12:52,448,909, T>C on the plus strand (A>G on the coding strand, the complement: KRT6B is on the minus strand). VCF-style: chr12-52448909-T-C. GRCh37 (hg19) VCF-style: chr12-52842693-T-C.
Other names: short protein forms Q379R.
Identifiers: ClinVar variation 3116569 (VCV003116569.3), dbSNP rs1940353438, ClinGen allele CA384983279.